The following is an entry in ClinVar:

ClinVar aggregate classification (germline): Uncertain significance. Review status: criteria provided, multiple submitters, no conflicts (2 of 4 stars). 3 submissions from 3 submitters: Uncertain significance (3). Last evaluated 2025-07-15.

Conditions:
Inborn genetic diseases. Identifiers: MedGen C0950123, MeSH D030342.
Cranioectodermal dysplasia 2 (CED2). Identifiers: Orphanet 1515, MedGen C3150874, MONDO:0013323, OMIM 613610.
Short-rib thoracic dysplasia 7 with or without polydactyly (SRTD7). Also called: Short rib polydactyly syndrome 5; SHORT-RIB THORACIC DYSPLASIA 7 WITH POLYDACTYLY. Identifiers: Orphanet 498497, Orphanet 93271, MedGen C3279792, MONDO:0013569, OMIM 614091.

Allele frequency attached by ClinVar (database versions not stated): gnomAD exomes below 0.00001.
gnomAD v4.1: 1 of 1,613,828 alleles (0.000062%); highest among the groups gnomAD compares: Non-Finnish European, 0.000085%; no homozygotes.

Submissions (3):

Ambry Genetics
Classification: Uncertain significance for Inborn genetic diseases. Last evaluated: 2025-07-15. Review status: criteria provided, single submitter. Criteria: Ambry Variant Classification Scheme 2023. Collection method: clinical testing. Allele origin: germline.

Labcorp Genetics (formerly Invitae), Labcorp
Classification: Uncertain significance for Cranioectodermal dysplasia 2; Short-rib thoracic dysplasia 7 with or without polydactyly. Last evaluated: 2023-08-04. Review status: criteria provided, single submitter. Criteria: Invitae Variant Classification Sherloc (09022015). Collection method: clinical testing. Allele origin: germline.
Comment: This sequence change replaces alanine, which is neutral and non-polar, with glutamic acid, which is acidic and polar, at codon 347 of the WDR35 protein (p.Ala347Glu). This variant is present in population databases (no rsID available, gnomAD 0.0009%). This variant has not been reported in the literature in individuals affected with WDR35-related conditions. ClinVar contains an entry for this variant (Variation ID: 1308981). Advanced modeling of protein sequence and biophysical properties (such as structural, functional, and spatial information, amino acid conservation, physicochemical variation, residue mobility, and thermodynamic stability) performed at Invitae indicates that this missense variant is expected to disrupt WDR35 protein function. In summary, the available evidence is currently insufficient to determine the role of this variant in disease. Therefore, it has been classified as a Variant of Uncertain Significance.

GeneDx
Classification: Uncertain significance. Last evaluated: 2019-09-27. Review status: criteria provided, single submitter. Criteria: GeneDx Variant Classification Process June 2021. Collection method: clinical testing. Allele origin: germline. Affected: yes.
Comment: Not observed at a significant frequency in large population cohorts (Lek et al., 2016); In silico analysis, which includes protein predictors and evolutionary conservation, supports a deleterious effect; Has not been previously published as pathogenic or benign to our knowledge

NM_020779.4(WDR35):c.1040C>A (p.Ala347Glu)

Gene: WDR35 (WD repeat domain 35; minus strand). Cytogenetic location: 2p24.1.
Variant type: single nucleotide variant.
Coding change: c.1040C>A on transcript NM_020779.4 (MANE Select); coding-DNA position 1040, C replaced by A.
Protein change: p.Ala347Glu; replaces alanine 347 with glutamic acid.
Molecular consequence: missense variant.
Genome position (GRCh38, 1-based): chr2:19,966,878, G>T on the plus strand (C>A on the coding strand, the complement: WDR35 is on the minus strand). VCF-style: chr2-19966878-G-T. GRCh37 (hg19) VCF-style: chr2-20166639-G-T.
Other names: c.1040C>A, p.Ala347Glu (NM_001006657.2); short protein forms A347E.
Identifiers: ClinVar variation 1308981 (VCV001308981.7), dbSNP rs1228739567, ClinGen allele CA345946342.
Genomic context (GRCh38, chr2:19,966,878, plus strand): 5'-TCATTGTTTTTCGTATCCCAGAAGACAACACAATATTCTGGACGATCAGGTCTGGTATAT[G>T]CATAAACTACAGTGTTTGAGCAATAACCCCACTAGGAAGAAAGGAAGGAGGAAAGGGAAG-3'
Protein context (NP_065830.2, residues 337-357): WGYCSNTVVY[Ala347Glu]YTRPDRPEYC